The following is an entry in ClinVar:

ClinVar aggregate classification (germline): Benign/Likely benign. Review status: criteria provided, multiple submitters, no conflicts (2 of 4 stars). 3 submissions from 3 submitters: Benign (1); Likely benign (2). Last evaluated 2025-10-08.

Conditions:
EP300-related disorder. Also called: EP300-related disorders; EP300-related condition.
Rubinstein-Taybi syndrome due to EP300 haploinsufficiency. Also called: EP300-Related Rubinstein-Taybi Syndrome; RUBINSTEIN-TAYBI SYNDROME 2. Identifiers: Orphanet 353284, Orphanet 783, MedGen C3150941, MONDO:0013364, OMIM 613684.

Allele frequency attached by ClinVar (database versions not stated): 1000 Genomes Project 0.00020; gnomAD exomes 0.00027; ExAC 0.00031.
gnomAD v4.1: 182 of 1,614,238 alleles (0.011%); highest among the groups gnomAD compares: South Asian, 0.19%; 2 homozygotes.

Submissions (3):

Labcorp Genetics (formerly Invitae), Labcorp
Classification: Benign for Rubinstein-Taybi syndrome due to EP300 haploinsufficiency. Last evaluated: 2025-10-08. Review status: criteria provided, single submitter. Criteria: Invitae Variant Classification Sherloc (09022015). Collection method: clinical testing. Allele origin: germline.

PreventionGenetics, part of Exact Sciences
Classification: Likely benign for EP300-related condition. Last evaluated: 2024-12-13. Review status: criteria provided, single submitter. Criteria: ACMG Guidelines, 2015. Collection method: clinical testing. Allele origin: germline.
Comment: This variant is classified as likely benign based on ACMG/AMP sequence variant interpretation guidelines (Richards et al. 2015 PMID: 25741868, with internal and published modifications).

Blueprint Genetics
Classification: Likely benign. Last evaluated: 2024-01-19. Review status: criteria provided, single submitter. Criteria: ACMG Guidelines, 2015. Collection method: clinical testing. Allele origin: germline.

NM_001429.4(EP300):c.1990A>G (p.Met664Val)

Gene: EP300 (EP300 lysine acetyltransferase; plus strand). Cytogenetic location: 22q13.2.
Variant type: single nucleotide variant.
Coding change: c.1990A>G on transcript NM_001429.4 (MANE Select); coding-DNA position 1990, A replaced by G.
Protein change: p.Met664Val; replaces methionine 664 with valine.
Molecular consequence: missense variant.
Genome position (GRCh38, 1-based): chr22:41,141,159, A>G. VCF-style: chr22-41141159-A-G. GRCh37 (hg19) VCF-style: chr22-41537163-A-G.
Other names: c.1990A>G, p.Met664Val (NM_001362843.2); short protein forms M664V.
Identifiers: ClinVar variation 3666336 (VCV003666336.4), dbSNP rs529145180.
Genomic context (GRCh38, chr22:41,141,159, plus strand): 5'-CTAGAAGAAAAACGAAGGACCAGACTACAGAAGCAGAACATGCTACCAAATGCTGCAGGC[A>G]TGGTTCCAGTTTCCATGAATCCAGGGCCTAACATGGGACAGCCGCAACCAGGAATGACTT-3'
Protein context (NP_001420.2, residues 654-674): KQNMLPNAAG[Met664Val]VPVSMNPGPN